The following is an entry in ClinVar:

ClinVar aggregate classification (germline): Likely pathogenic (1 of 4 stars; one submission).

Conditions:
Intellectual developmental disorder, autosomal dominant 6, with or without seizures. Also called: GRIN2B-related developmental delay, intellectual disability and autism spectrum disorder; Intellectual disability, autosomal dominant 6. Identifiers: Orphanet 589547, MedGen C3151411, MONDO:0013509, OMIM 613970.
Developmental and epileptic encephalopathy, 27 (DEE27). Also called: Epileptic encephalopathy, early infantile, 27; GRIN2B-Related Neurodevelopmental Disorder. Identifiers: Orphanet 3451, MedGen C4015316, MONDO:0014505, OMIM 616139.

Submission:

Labcorp Genetics (formerly Invitae), Labcorp
Classification: Likely pathogenic for Developmental and epileptic encephalopathy, 27; Intellectual developmental disorder, autosomal dominant 6, with or without seizures. Last evaluated: 2023-06-20. Review status: criteria provided, single submitter. Criteria: Invitae Variant Classification Sherloc (09022015). Collection method: clinical testing. Allele origin: germline.
Comment: In summary, the currently available evidence indicates that the variant is pathogenic, but additional data are needed to prove that conclusively. Therefore, this variant has been classified as Likely Pathogenic. This sequence change replaces glutamic acid, which is acidic and polar, with lysine, which is basic and polar, at codon 517 of the GRIN2B protein (p.Glu517Lys). This variant is not present in population databases (gnomAD no frequency). This missense change has been observed in individual(s) with GRIN2B-related conditions (Invitae). In at least one individual the variant was observed to be de novo. Advanced modeling of protein sequence and biophysical properties (such as structural, functional, and spatial information, amino acid conservation, physicochemical variation, residue mobility, and thermodynamic stability) has been performed at Invitae for this missense variant, however the output from this modeling did not meet the statistical confidence thresholds required to predict the impact of this variant on GRIN2B protein function.

NM_000834.5(GRIN2B):c.1549G>A (p.Glu517Lys)

Gene: GRIN2B (glutamate ionotropic receptor NMDA type subunit 2B; minus strand). Cytogenetic location: 12p13.1.
Variant type: single nucleotide variant.
Coding change: c.1549G>A on transcript NM_000834.5 (MANE Select); coding-DNA position 1549, G replaced by A.
Protein change: p.Glu517Lys; replaces glutamic acid 517 with lysine.
Molecular consequence: missense variant.
Genome position (GRCh38, 1-based): chr12:13,615,219, C>T on the plus strand (G>A on the coding strand, the complement: GRIN2B is on the minus strand). VCF-style: chr12-13615219-C-T. GRCh37 (hg19) VCF-style: chr12-13768153-C-T.
Other names: c.1549G>A, p.Glu517Lys (NM_001413992.1); short protein forms E517K.
Identifiers: ClinVar variation 2945890 (VCV002945890.3), dbSNP rs1555112064, ClinGen allele CA384051902.